The following is an entry in ClinVar:

ClinVar aggregate classification (germline): Benign. Review status: criteria provided, multiple submitters, no conflicts (2 of 4 stars). 7 submissions from 7 submitters: Benign (5). 2 of the submissions do not count toward it. Last evaluated 2026-02-04.

Allele frequency attached by ClinVar (database versions not stated): 1000 Genomes Project 0.68331; ExAC 0.69854; gnomAD 0.63172 and 0.64071; TOPMed 0.62632; 1000 Genomes Project 30x 0.67052.
gnomAD v4.1: 1,018,808 of 1,494,294 alleles (68%); highest among the groups gnomAD compares: East Asian, 96%; 352,656 homozygotes.

Submissions (7):

Labcorp Genetics (formerly Invitae), Labcorp
Classification: Benign. Last evaluated: 2026-02-04. Review status: criteria provided, single submitter. Criteria: Invitae Variant Classification Sherloc (09022015). Collection method: clinical testing. Allele origin: germline.

Mayo Clinic Laboratories, Mayo Clinic
Classification: Benign. Last evaluated: 2020-08-28. Review status: criteria provided, single submitter. Criteria: ACMG Guidelines, 2015. Collection method: clinical testing. Allele origin: germline. Observed: 141 variant alleles.

GeneDx
Classification: Benign. Last evaluated: 2017-05-09. Review status: criteria provided, single submitter. Criteria: GeneDx Variant Classification (06012015). Collection method: clinical testing. Allele origin: germline. Affected: yes.
Comment: This variant is considered likely benign or benign based on one or more of the following criteria: it is a conservative change, it occurs at a poorly conserved position in the protein, it is predicted to be benign by multiple in silico algorithms, and/or has population frequency not consistent with disease.

Laboratory for Molecular Medicine, Mass General Brigham Personalized Medicine
Classification: Benign. Last evaluated: 2014-11-24. Review status: criteria provided, single submitter. Criteria: LMM Criteria. Collection method: clinical testing. Allele origin: germline. Observed: 716 variant alleles.
Comment: c.2762+9A>G in intron 24 of OTOGL: This variant is not expected to have clinical significance because it is not located within the conserved splice consensus se quence. It has been identified in 98.3% (175/178) of Japanese chromosomes from a broad population by the 1000 Genomes Project (cts/SNP; dbSNP rs1376384).

Breakthrough Genomics
Classification: Benign. Review status: criteria provided, single submitter. Criteria: ACMG Guidelines, 2015. Collection method: not provided. Allele origin: germline. Inheritance: Autosomal recessive inheritance. Affected: yes.

Diagnostic Laboratory, Department of Genetics, University Medical Center Groningen
Classification: Benign. Review status: no assertion criteria provided. Collection method: clinical testing. Allele origin: germline. Affected: yes. Study: VKGL Data-share Consensus. Not counted in ClinVar's aggregate classification.

Joint Genome Diagnostic Labs from Nijmegen and Maastricht, Radboudumc and MUMC+
Classification: Benign. Review status: no assertion criteria provided. Collection method: clinical testing. Allele origin: germline. Affected: yes. Study: VKGL Data-share Consensus. Not counted in ClinVar's aggregate classification.

NM_001378609.3(OTOGL):c.2789+9A>G

Gene: OTOGL (otogelin like; plus strand). Cytogenetic location: 12q21.31.
Variant type: single nucleotide variant.
Coding change: c.2789+9A>G on transcript NM_001378609.3 (MANE Select); 9 bases into the intron after coding-DNA position 2789, A replaced by G.
Molecular consequence: intron variant.
Genome position (GRCh38, 1-based): chr12:80,278,284, A>G. VCF-style: chr12-80278284-A-G. GRCh37 (hg19) VCF-style: chr12-80672064-A-G.
Other names: p.?; c.2789+9A>G (NM_001368062.3, NM_001378610.3, NM_173591.7).
Identifiers: ClinVar variation 226934 (VCV000226934.20), dbSNP rs1376384, ClinGen allele CA6700884.